The following is an entry in ClinVar:

NM_024529.5(CDC73):c.1583A>G (p.His528Arg)

Gene: CDC73 (cell division cycle 73; plus strand). Cytogenetic location: 1q31.2.
Variant type: single nucleotide variant.
Coding change: c.1583A>G on transcript NM_024529.5 (MANE Select); coding-DNA position 1583, A replaced by G.
Protein change: p.His528Arg; replaces histidine 528 with arginine.
Molecular consequence: missense variant.
Genome position (GRCh38, 1-based): chr1:193,250,699, A>G. VCF-style: chr1-193250699-A-G. GRCh37 (hg19) VCF-style: chr1-193219829-A-G.
Other names: short protein forms H528R.
Identifiers: ClinVar variation 4223462 (VCV004223462.1).

ClinVar aggregate classification (germline): Uncertain significance (1 of 4 stars; one submission).

Conditions:
Hereditary cancer-predisposing syndrome. Also called: Hereditary Cancer Syndrome; Hereditary neoplastic syndrome; Neoplastic Syndromes, Hereditary; Tumor predisposition. Identifiers: Orphanet 140162, MedGen C0027672, MeSH D009386, MONDO:0015356.

Submission:

Ambry Genetics
Classification: Uncertain significance for Hereditary cancer-predisposing syndrome. Last evaluated: 2025-08-29. Review status: criteria provided, single submitter. Criteria: Ambry Variant Classification Scheme 2023. Collection method: clinical testing. Allele origin: germline.
Comment: The p.H528R variant (also known as c.1583A>G), located in coding exon 17 of the CDC73 gene, results from an A to G substitution at nucleotide position 1583. The histidine at codon 528 is replaced by arginine, an amino acid with highly similar properties. This amino acid position is conserved. In addition, the in silico prediction for this alteration is inconclusive. Based on the available evidence, the clinical significance of this variant remains unclear.